The following is an entry in ClinVar:

ClinVar aggregate classification (germline): Uncertain significance (1 of 4 stars; one submission).

Conditions:
Immunodeficiency 35 (IMD35). Also called: Susceptibility to infection due to TYK2 deficiency; HIES WITH ATYPICAL MYCOBACTERIOSIS, AUTOSOMAL RECESSIVE; HYPER-IgE SYNDROME WITH ATYPICAL MYCOBACTERIOSIS, AUTOSOMAL RECESSIVE; TYK2 DEFICIENCY. Identifiers: Orphanet 331226, MedGen C1969086, MONDO:0012682, OMIM 611521.

Allele frequency attached by ClinVar (database versions not stated): gnomAD exomes below 0.00001; gnomAD 0.00001; TOPMed 0.00002.
gnomAD v4.1: 6 of 1,612,798 alleles (0.00037%); highest among the groups gnomAD compares: East Asian, 0.0022%; no homozygotes.

Submission:

Labcorp Genetics (formerly Invitae), Labcorp
Classification: Uncertain significance for Immunodeficiency 35. Last evaluated: 2024-02-17. Review status: criteria provided, single submitter. Criteria: Invitae Variant Classification Sherloc (09022015). Collection method: clinical testing. Allele origin: germline.
Comment: This sequence change replaces arginine, which is basic and polar, with glutamine, which is neutral and polar, at codon 744 of the TYK2 protein (p.Arg744Gln). The frequency data for this variant in the population databases is considered unreliable, as metrics indicate poor data quality at this position in the gnomAD database. This variant has not been reported in the literature in individuals affected with TYK2-related conditions. ClinVar contains an entry for this variant (Variation ID: 1952955). Advanced modeling of protein sequence and biophysical properties (such as structural, functional, and spatial information, amino acid conservation, physicochemical variation, residue mobility, and thermodynamic stability) has been performed at Invitae for this missense variant, however the output from this modeling did not meet the statistical confidence thresholds required to predict the impact of this variant on TYK2 protein function. In summary, the available evidence is currently insufficient to determine the role of this variant in disease. Therefore, it has been classified as a Variant of Uncertain Significance.

NM_003331.5(TYK2):c.2231G>A (p.Arg744Gln)

Gene: TYK2 (tyrosine kinase 2; minus strand). Cytogenetic location: 19p13.2.
Variant type: single nucleotide variant.
Coding change: c.2231G>A on transcript NM_003331.5 (MANE Select); coding-DNA position 2231, G replaced by A.
Protein change: p.Arg744Gln; replaces arginine 744 with glutamine.
Molecular consequence: missense variant.
Genome position (GRCh38, 1-based): chr19:10,358,083, C>T on the plus strand (G>A on the coding strand, the complement: TYK2 is on the minus strand). VCF-style: chr19-10358083-C-T. GRCh37 (hg19) VCF-style: chr19-10468759-C-T.
Other names: c.2231G>A, p.Arg744Gln (NM_001385197.1, NM_001385198.1, NM_001385200.1 and 3 more transcripts); c.2045G>A, p.Arg682Gln (NM_001385199.1); c.2033G>A, p.Arg678Gln (NM_001385201.1); c.2147G>A, p.Arg716Gln (NM_001385202.1); c.2141G>A, p.Arg714Gln (NM_001385205.1); c.2105G>A, p.Arg702Gln (NM_001385206.1); c.2213G>A, p.Arg738Gln (NM_001385207.1); short protein forms R716Q, R744Q, R678Q, R714Q, R738Q, R682Q, R702Q.
Identifiers: ClinVar variation 1952955 (VCV001952955.5), dbSNP rs942849080, ClinGen allele CA305198133.